The following is an entry in ClinVar:

NM_003982.4(SLC7A7):c.1263G>A (p.Pro421=)

Gene: SLC7A7 (solute carrier family 7 member 7; minus strand). Cytogenetic location: 14q11.2.
Variant type: single nucleotide variant.
Coding change: c.1263G>A on transcript NM_003982.4 (MANE Select); coding-DNA position 1263, G replaced by A.
Protein change: p.Pro421=; no amino-acid change (proline 421 retained).
Molecular consequence: synonymous variant.
Genome position (GRCh38, 1-based): chr14:22,774,099, C>T on the plus strand (G>A on the coding strand, the complement: SLC7A7 is on the minus strand). VCF-style: chr14-22774099-C-T. GRCh37 (hg19) VCF-style: chr14-23243308-C-T.
Other names: c.1263G>A, p.Pro421= (NM_001126105.3, NM_001126106.4).
Identifiers: ClinVar variation 792522 (VCV000792522.17), dbSNP rs1043886041, ClinGen allele CA257723886.
Genomic context (GRCh38, chr14:22,774,099, plus strand): 5'-GATAGTATCACTGTAAAGTGGAACAGCCACCAGGAAGATGGTGCAGAGGCAGAAGACAAT[C>T]GGGAAGAAAACGCTGAGCTAAGGGCACAGGAAACATAACTGGAGTGGACAACTCAGGATT-3'
Protein context (NP_003973.3, residues 411-431): PRPLKLSVFF[Pro421=]IVFCLCTIFL

ClinVar aggregate classification (germline): Conflicting classifications of pathogenicity. Review status: criteria provided, conflicting classifications (1 of 4 stars). 3 submissions from 3 submitters: Uncertain significance (1); Likely benign (2). Last evaluated 2024-08-20.

Conditions:
Lysinuric protein intolerance (LPI). Identifiers: Orphanet 470, MedGen C0268647, MONDO:0009109, OMIM 222700.

Allele frequency attached by ClinVar (database versions not stated): TOPMed 0.00001.
gnomAD v4.1: 3 of 1,614,068 alleles (0.00019%); highest among the groups gnomAD compares: East Asian, 0.0022%; no homozygotes.

Submissions (3):

Labcorp Genetics (formerly Invitae), Labcorp
Classification: Likely benign for Lysinuric protein intolerance. Last evaluated: 2024-08-20. Review status: criteria provided, single submitter. Criteria: Invitae Variant Classification Sherloc (09022015). Collection method: clinical testing. Allele origin: germline.

Genome-Nilou Lab
Classification: Likely benign for Lysinuric protein intolerance. Last evaluated: 2021-11-07. Review status: criteria provided, single submitter. Criteria: ACMG Guidelines, 2015. Collection method: clinical testing. Allele origin: germline. Affected: no.

Illumina Laboratory Services, Illumina
Classification: Uncertain significance for Lysinuric protein intolerance. Last evaluated: 2017-04-27. Review status: criteria provided, single submitter. Criteria: ICSL Variant Classification Criteria 13 December 2019. Collection method: clinical testing. Allele origin: germline.
Comment: This variant was observed as part of a predisposition screen in an ostensibly healthy population. A literature search was performed for the gene, cDNA change, and amino acid change (where applicable). Publications were found based on this search. However, the evidence from the literature, in combination with allele frequency data from public databases where available, was not sufficient to rule this variant in or out of causing disease. Therefore, this variant is classified as a variant of unknown significance.

Literature cited by the submitters: PubMed 10655553 (cited by Illumina Laboratory Services, Illumina).